The following is an entry in ClinVar:

NM_002485.5(NBN):c.601G>A (p.Asp201Asn)

Gene: NBN (nibrin; minus strand). Cytogenetic location: 8q21.3.
Variant type: single nucleotide variant.
Coding change: c.601G>A on transcript NM_002485.5 (MANE Select); coding-DNA position 601, G replaced by A.
Protein change: p.Asp201Asn; replaces aspartic acid 201 with asparagine.
Molecular consequence: missense variant.
Genome position (GRCh38, 1-based): chr8:89,971,274, C>T on the plus strand (G>A on the coding strand, the complement: NBN is on the minus strand). VCF-style: chr8-89971274-C-T. GRCh37 (hg19) VCF-style: chr8-90983502-C-T.
Other names: c.355G>A, p.Asp119Asn (NM_001024688.3); short protein forms D119N, D201N.
Identifiers: ClinVar variation 1035616 (VCV001035616.14), dbSNP rs757186245, ClinGen allele CA4802923.
Genomic context (GRCh38, chr8:89,971,274, plus strand): 5'-TTTGTTTTCTTTCCTGCCGTCCTGACAGATCAACATTTTTACTTCCAATAGATGGTTCAT[C>T]AAGAGGTGGGTAAAAACTGTAAAAATAATTAAAGTATATTCTAATTATATACTACTATGT-3'
Protein context (NP_002476.2, residues 191-211): PQIESFYPPL[Asp201Asn]EPSIGSKNVD

ClinVar aggregate classification (germline): Uncertain significance. Review status: criteria provided, multiple submitters, no conflicts (2 of 4 stars). 4 submissions from 4 submitters: Uncertain significance (4). Last evaluated 2023-07-18.

Conditions:
Microcephaly, normal intelligence and immunodeficiency (NBS). Also called: SEEMANOVA SYNDROME II; Immunodeficiency, microcephaly with normal intelligence; IMMUNODEFICIENCY, MICROCEPHALY, AND CHROMOSOMAL INSTABILITY; Nijmegen breakage syndrome; Microcephaly with normal intelligence immunodeficiency and lymphoreticular malignancies; Nonsyndromal microcephaly autosomal recessive with normal intelligence. Identifiers: Orphanet 647, MedGen C0398791, MONDO:0009623, OMIM 251260.
Hereditary cancer-predisposing syndrome. Also called: Neoplastic Syndromes, Hereditary; Hereditary Cancer Syndrome; Tumor predisposition; Hereditary neoplastic syndrome. Identifiers: Orphanet 140162, MedGen C0027672, MeSH D009386, MONDO:0015356.

Allele frequency attached by ClinVar (database versions not stated): gnomAD exomes below 0.00001; ExAC 0.00001; gnomAD 0.00001.
gnomAD v4.1: 2 of 1,612,196 alleles (0.00012%); highest among the groups gnomAD compares: East Asian, 0.0022%; no homozygotes.

Submissions (4):

Ambry Genetics
Classification: Uncertain significance for Hereditary cancer-predisposing syndrome. Last evaluated: 2023-07-18. Review status: criteria provided, single submitter. Criteria: Ambry Variant Classification Scheme 2023. Collection method: clinical testing. Allele origin: germline.
Comment: The p.D201N variant (also known as c.601G>A), located in coding exon 6 of the NBN gene, results from a G to A substitution at nucleotide position 601. The aspartic acid at codon 201 is replaced by asparagine, an amino acid with highly similar properties. This amino acid position is highly conserved in available vertebrate species. In addition, this alteration is predicted to be tolerated by in silico analysis. Since supporting evidence is limited at this time, the clinical significance of this alteration remains unclear.

Labcorp Genetics (formerly Invitae), Labcorp
Classification: Uncertain significance for Microcephaly, normal intelligence and immunodeficiency. Last evaluated: 2022-08-31. Review status: criteria provided, single submitter. Criteria: Invitae Variant Classification Sherloc (09022015). Collection method: clinical testing. Allele origin: germline.
Comment: In summary, the available evidence is currently insufficient to determine the role of this variant in disease. Therefore, it has been classified as a Variant of Uncertain Significance. Algorithms developed to predict the effect of missense changes on protein structure and function are either unavailable or do not agree on the potential impact of this missense change (SIFT: "Deleterious"; PolyPhen-2: "Benign"; Align-GVGD: "Class C0"). ClinVar contains an entry for this variant (Variation ID: 1035616). This variant has not been reported in the literature in individuals affected with NBN-related conditions. This variant is present in population databases (rs757186245, gnomAD 0.006%). This sequence change replaces aspartic acid, which is acidic and polar, with asparagine, which is neutral and polar, at codon 201 of the NBN protein (p.Asp201Asn).

Genome-Nilou Lab
Classification: Uncertain significance for Microcephaly, normal intelligence and immunodeficiency. Last evaluated: 2021-11-07. Review status: criteria provided, single submitter. Criteria: ACMG Guidelines, 2015. Collection method: clinical testing. Allele origin: germline. Affected: no.

GeneDx
Classification: Uncertain significance. Last evaluated: 2020-08-03. Review status: criteria provided, single submitter. Criteria: GeneDx Variant Classification Process June 2021. Collection method: clinical testing. Allele origin: germline. Affected: yes.
Comment: Not observed at a significant frequency in large population cohorts (Lek et al., 2016); In silico analysis supports that this missense variant has a deleterious effect on protein structure/function; Has not been previously published as pathogenic or benign to our knowledge